The following is an entry in ClinVar:

NM_173630.4(RTTN):c.5649C>A (p.Ala1883=)

Gene: RTTN (rotatin; minus strand). Cytogenetic location: 18q22.2.
Variant type: single nucleotide variant.
Coding change: c.5649C>A on transcript NM_173630.4 (MANE Select); coding-DNA position 5649, C replaced by A.
Protein change: p.Ala1883=; no amino-acid change (alanine 1883 retained).
Molecular consequence: synonymous variant.
Genome position (GRCh38, 1-based): chr18:70,030,108, G>T on the plus strand (C>A on the coding strand, the complement: RTTN is on the minus strand). VCF-style: chr18-70030108-G-T. GRCh37 (hg19) VCF-style: chr18-67697344-G-T.
Other names: c.2913C>A, p.Ala971= (NM_001318520.2).
Identifiers: ClinVar variation 2648800 (VCV002648800.24), dbSNP rs910634859, ClinGen allele CA504313253.

ClinVar aggregate classification (germline): Likely benign (1 of 4 stars; one submission).

Allele frequency attached by ClinVar (database versions not stated): gnomAD exomes below 0.00001; gnomAD 0.00001.
gnomAD v4.1: 2 of 1,606,258 alleles (0.00012%); highest among the groups gnomAD compares: Non-Finnish European, 0.00017%; no homozygotes.

Submission:

CeGaT Center for Human Genetics Tuebingen
Classification: Likely benign. Last evaluated: 2022-07-01. Review status: criteria provided, single submitter. Criteria: CeGaT Center For Human Genetics Tuebingen Variant Classification Criteria Version 2. Collection method: clinical testing. Allele origin: germline. Affected: yes. Observed: 1 variant allele.
Comment: RTTN: BP4, BP7